The following is an entry in ClinVar:

ClinVar aggregate classification (germline): Uncertain significance. Review status: criteria provided, multiple submitters, no conflicts (2 of 4 stars). 2 submissions from 2 submitters: Uncertain significance (2). Last evaluated 2025-09-10.

Conditions:
Neuroblastoma, susceptibility to, 3. Also called: ALK-Related Neuroblastic Tumor Susceptibility. Identifiers: Orphanet 635, MedGen C2751681, MONDO:0013083, OMIM 613014.
Hereditary cancer-predisposing syndrome. Also called: Tumor predisposition; Hereditary neoplastic syndrome; Neoplastic Syndromes, Hereditary; Hereditary Cancer Syndrome. Identifiers: Orphanet 140162, MedGen C0027672, MeSH D009386, MONDO:0015356.

Allele frequency attached by ClinVar (database versions not stated): gnomAD exomes below 0.00001; gnomAD 0.00001; TOPMed 0.00001.
gnomAD v4.1: 3 of 1,613,952 alleles (0.00019%); highest among the groups gnomAD compares: East Asian, 0.0067%; no homozygotes.

Submissions (2):

Labcorp Genetics (formerly Invitae), Labcorp
Classification: Uncertain significance for Neuroblastoma, susceptibility to, 3. Last evaluated: 2025-09-10. Review status: criteria provided, single submitter. Criteria: Invitae Variant Classification Sherloc (09022015). Collection method: clinical testing. Allele origin: germline.
Comment: This sequence change replaces glutamine, which is neutral and polar, with leucine, which is neutral and non-polar, at codon 1159 of the ALK protein (p.Gln1159Leu). This variant is present in population databases (no rsID available, gnomAD 0.01%). This variant has not been reported in the literature in individuals affected with ALK-related conditions. ClinVar contains an entry for this variant (Variation ID: 941004). An algorithm developed to predict the effect of missense changes on protein structure and function (PolyPhen-2) suggests that this variant is likely to be disruptive. In summary, the available evidence is currently insufficient to determine the role of this variant in disease. Therefore, it has been classified as a Variant of Uncertain Significance.

Ambry Genetics
Classification: Uncertain significance for Hereditary cancer-predisposing syndrome. Last evaluated: 2022-01-27. Review status: criteria provided, single submitter. Criteria: Ambry Variant Classification Scheme 2023. Collection method: clinical testing. Allele origin: germline.
Comment: The p.Q1159L variant (also known as c.3476A>T), located in coding exon 22 of the ALK gene, results from an A to T substitution at nucleotide position 3476. The glutamine at codon 1159 is replaced by leucine, an amino acid with dissimilar properties. This alteration was identified in the germline of 7/36,813 unselected Chinese individuals diagnosed with lung cancer that underwent paired somatic and germline testing (Yang J et al. Front Oncol, 2021 Apr;11:647598). This amino acid position is highly conserved in available vertebrate species. In addition, the in silico prediction for this alteration is inconclusive. Since supporting evidence is limited at this time, the clinical significance of this alteration remains unclear.

Literature cited by the submitters: PubMed 33898318 (cited by Ambry Genetics).

NM_004304.5(ALK):c.3476A>T (p.Gln1159Leu)

Gene: ALK (ALK receptor tyrosine kinase; minus strand). Cytogenetic location: 2p23.2.
Variant type: single nucleotide variant.
Coding change: c.3476A>T on transcript NM_004304.5 (MANE Select); coding-DNA position 3476, A replaced by T.
Protein change: p.Gln1159Leu; replaces glutamine 1159 with leucine.
Molecular consequence: missense variant.
Genome position (GRCh38, 1-based): chr2:29,222,383, T>A on the plus strand (A>T on the coding strand, the complement: ALK is on the minus strand). VCF-style: chr2-29222383-T-A. GRCh37 (hg19) VCF-style: chr2-29445249-T-A.
Other names: c.272A>T, p.Gln91Leu (NM_001353765.2); short protein forms Q1159L, Q91L.
Identifiers: ClinVar variation 941004 (VCV000941004.13), dbSNP rs1270501196, ClinGen allele CA346463174.